The following is an entry in ClinVar:

NM_001037333.3(CYFIP2):c.3093G>T (p.Leu1031Phe)

Genes: CYFIP2 (cytoplasmic FMR1 interacting protein 2; plus strand), NIPAL4-DT (NIPAL4 divergent transcript; minus strand). Cytogenetic location: 5q33.3.
Variant type: single nucleotide variant.
Coding change: c.3093G>T on transcript NM_001037333.3 (MANE Select); coding-DNA position 3093, G replaced by T.
Protein change: p.Leu1031Phe; replaces leucine 1031 with phenylalanine.
Molecular consequence: missense variant.
Genome position (GRCh38, 1-based): chr5:157,382,643, G>T. VCF-style: chr5-157382643-G-T. GRCh37 (hg19) VCF-style: chr5-156809651-G-T.
Other names: c.3015G>T, p.Leu1005Phe (NM_001291721.2); c.3168G>T, p.Leu1056Phe (NM_001291722.2); c.3093G>T, p.Leu1031Phe (NM_014376.4); short protein forms L1005F, L1031F, L1056F.
Identifiers: ClinVar variation 2582203 (VCV002582203.1), dbSNP rs2532690609, ClinGen allele CA361980919.

ClinVar aggregate classification (germline): Uncertain significance (1 of 4 stars; one submission).

Submission:

GeneDx
Classification: Uncertain significance. Last evaluated: 2023-03-31. Review status: criteria provided, single submitter. Criteria: GeneDx Variant Classification Process June 2021. Collection method: clinical testing. Allele origin: germline. Affected: yes.
Comment: Not observed at significant frequency in large population cohorts (gnomAD); In silico analysis supports that this missense variant does not alter protein structure/function; Has not been previously published as pathogenic or benign to our knowledge